The following is an entry in ClinVar:

NM_005585.5(SMAD6):c.1304C>T (p.Ser435Phe)

Gene: SMAD6 (SMAD family member 6; plus strand). Cytogenetic location: 15q22.31.
Variant type: single nucleotide variant.
Coding change: c.1304C>T on transcript NM_005585.5 (MANE Select); coding-DNA position 1304, C replaced by T.
Protein change: p.Ser435Phe; replaces serine 435 with phenylalanine.
Molecular consequence: missense variant. On other transcripts: non-coding transcript variant (1).
Genome position (GRCh38, 1-based): chr15:66,781,348, C>T. VCF-style: chr15-66781348-C-T. GRCh37 (hg19) VCF-style: chr15-67073686-C-T.
Other names: short protein forms S435F.
Identifiers: ClinVar variation 4170066 (VCV004170066.1).

ClinVar aggregate classification (germline): Uncertain significance (1 of 4 stars; one submission).

Conditions:
Inborn genetic diseases. Identifiers: MedGen C0950123, MeSH D030342.

gnomAD v4.1: 2 of 1,600,386 alleles (0.00012%); highest among the groups gnomAD compares: Non-Finnish European, 0.00017%; no homozygotes.

Submission:

Ambry Genetics
Classification: Uncertain significance for Inborn genetic diseases. Last evaluated: 2025-07-09. Review status: criteria provided, single submitter. Criteria: Ambry Variant Classification Scheme 2023. Collection method: clinical testing. Allele origin: germline.
Comment: The p.S435F variant (also known as c.1304C>T), located in coding exon 4 of the SMAD6 gene, results from a C to T substitution at nucleotide position 1304. The serine at codon 435 is replaced by phenylalanine, an amino acid with highly dissimilar properties. This amino acid position is conserved. In addition, this alteration is predicted to be deleterious by in silico analysis. Based on the available evidence, the clinical significance of this variant remains unclear.